The following is an entry in ClinVar:

NM_005630.3(SLCO2A1):c.398-9T>G

Gene: SLCO2A1 (solute carrier organic anion transporter family member 2A1; minus strand). Cytogenetic location: 3q22.1.
Variant type: single nucleotide variant.
Coding change: c.398-9T>G on transcript NM_005630.3 (MANE Select); 9 bases into the intron before coding-DNA position 398, T replaced by G.
Molecular consequence: intron variant.
Genome position (GRCh38, 1-based): chr3:133,955,202, A>C on the plus strand (T>G on the coding strand, the complement: SLCO2A1 is on the minus strand). VCF-style: chr3-133955202-A-C. GRCh37 (hg19) VCF-style: chr3-133674046-A-C.
Identifiers: ClinVar variation 1485229 (VCV001485229.6), dbSNP rs1323484620, ClinGen allele CA546420690.

ClinVar aggregate classification (germline): Uncertain significance (1 of 4 stars; one submission).

Allele frequency attached by ClinVar (database versions not stated): gnomAD exomes below 0.00001.
gnomAD v4.1: 1 of 1,608,884 alleles (0.000062%); highest among the groups gnomAD compares: Admixed American, 0.0017%; no homozygotes.

Submission:

Labcorp Genetics (formerly Invitae), Labcorp
Classification: Uncertain significance. Last evaluated: 2021-09-09. Review status: criteria provided, single submitter. Criteria: Invitae Variant Classification Sherloc (09022015). Collection method: clinical testing. Allele origin: germline.
Comment: In summary, the available evidence is currently insufficient to determine the role of this variant in disease. Therefore, it has been classified as a Variant of Uncertain Significance. Algorithms developed to predict the effect of sequence changes on RNA splicing suggest that this variant may disrupt the consensus splice site. This variant has been observed in individual(s) with clinical features of primary hypertrophic osteoarthropathy (Invitae). This variant is not present in population databases (ExAC no frequency). This sequence change falls in intron 3 of the SLCO2A1 gene. It does not directly change the encoded amino acid sequence of the SLCO2A1 protein.